The following is an entry in ClinVar:

NM_006914.4(RORB):c.440T>C (p.Ile147Thr)

Gene: RORB (RAR related orphan receptor B; plus strand). Cytogenetic location: 9q21.13.
Variant type: single nucleotide variant.
Coding change: c.440T>C on transcript NM_006914.4 (MANE Select); coding-DNA position 440, T replaced by C.
Protein change: p.Ile147Thr; replaces isoleucine 147 with threonine.
Molecular consequence: missense variant.
Genome position (GRCh38, 1-based): chr9:74,642,618, T>C. VCF-style: chr9-74642618-T-C. GRCh37 (hg19) VCF-style: chr9-77257534-T-C.
Other names: c.473T>C, p.Ile158Thr (NM_001365023.1); c.440T>C (NM_006914.3); short protein forms I158T, I147T.
Identifiers: ClinVar variation 1371897 (VCV001371897.8), dbSNP rs201745846, ClinGen allele CA193859269.

ClinVar aggregate classification (germline): Uncertain significance. Review status: criteria provided, multiple submitters, no conflicts (2 of 4 stars). 3 submissions from 3 submitters: Uncertain significance (3). Last evaluated 2026-01-26.

Conditions:
Inborn genetic diseases. Identifiers: MedGen C0950123, MeSH D030342.

Allele frequency attached by ClinVar (database versions not stated): gnomAD exomes 0.00002.
gnomAD v4.1: 24 of 1,614,164 alleles (0.0015%); highest among the groups gnomAD compares: Non-Finnish European, 0.0019%; no homozygotes.

Submissions (3):

Ambry Genetics
Classification: Uncertain significance for Inborn genetic diseases. Last evaluated: 2026-01-26. Review status: criteria provided, single submitter. Criteria: Ambry Variant Classification Scheme 2023. Collection method: clinical testing. Allele origin: germline.

Labcorp Genetics (formerly Invitae), Labcorp
Classification: Uncertain significance. Last evaluated: 2021-10-10. Review status: criteria provided, single submitter. Criteria: Invitae Variant Classification Sherloc (09022015). Collection method: clinical testing. Allele origin: germline.
Comment: This sequence change replaces isoleucine with threonine at codon 147 of the RORB protein (p.Ile147Thr). The isoleucine residue is moderately conserved and there is a moderate physicochemical difference between isoleucine and threonine. In summary, the available evidence is currently insufficient to determine the role of this variant in disease. Therefore, it has been classified as a Variant of Uncertain Significance. Algorithms developed to predict the effect of missense changes on protein structure and function are either unavailable or do not agree on the potential impact of this missense change (SIFT: "Deleterious"; PolyPhen-2: "Benign"; Align-GVGD: "Class C0"). This variant has not been reported in the literature in individuals affected with RORB-related conditions. This variant is not present in population databases (ExAC no frequency).

Blueprint Genetics
Classification: Uncertain significance. Last evaluated: 2020-07-15. Review status: criteria provided, single submitter. Criteria: ACMG Guidelines, 2015. Collection method: clinical testing. Allele origin: germline.